The following is an entry in ClinVar:

ClinVar aggregate classification (germline): Uncertain significance (1 of 4 stars; one submission).

Conditions:
Familial adenomatous polyposis 1 (FAP1). Also called: FAMILIAL ADENOMATOUS POLYPOSIS 1, ATTENUATED; POLYPOSIS, ADENOMATOUS INTESTINAL. Identifiers: MedGen C2713442, MONDO:0021056, OMIM 175100. Disease mechanism: loss of function.

Allele frequency attached by ClinVar (database versions not stated): gnomAD exomes below 0.00001.
gnomAD v4.1: 1 of 1,613,982 alleles (0.000062%); highest among the groups gnomAD compares: East Asian, 0.0022%; no homozygotes.

Submission:

Labcorp Genetics (formerly Invitae), Labcorp
Classification: Uncertain significance for Familial adenomatous polyposis 1. Last evaluated: 2021-02-07. Review status: criteria provided, single submitter. Criteria: Invitae Variant Classification Sherloc (09022015). Collection method: clinical testing. Allele origin: germline.
Comment: This sequence change replaces aspartic acid with valine at codon 1860 of the APC protein (p.Asp1860Val). The aspartic acid residue is highly conserved and there is a large physicochemical difference between aspartic acid and valine. This variant is not present in population databases (ExAC no frequency). This variant has not been reported in the literature in individuals with APC-related conditions. Algorithms developed to predict the effect of missense changes on protein structure and function (SIFT, PolyPhen-2, Align-GVGD) all suggest that this variant is likely to be disruptive, but these predictions have not been confirmed by published functional studies and their clinical significance is uncertain. In summary, the available evidence is currently insufficient to determine the role of this variant in disease. Therefore, it has been classified as a Variant of Uncertain Significance.

NM_000038.6(APC):c.5579A>T (p.Asp1860Val)

Gene: APC (APC regulator of Wnt signaling pathway; plus strand). Cytogenetic location: 5q22.2.
Variant type: single nucleotide variant.
Coding change: c.5579A>T on transcript NM_000038.6 (MANE Select); coding-DNA position 5579, A replaced by T.
Protein change: p.Asp1860Val; replaces aspartic acid 1860 with valine.
Molecular consequence: missense variant.
Genome position (GRCh38, 1-based): chr5:112,841,173, A>T. VCF-style: chr5-112841173-A-T. GRCh37 (hg19) VCF-style: chr5-112176870-A-T.
Other names: c.5579A>T, p.Asp1860Val (NM_001127510.3, NM_001354895.2); c.5525A>T, p.Asp1842Val (NM_001127511.3); c.5633A>T, p.Asp1878Val (NM_001354896.2); c.5609A>T, p.Asp1870Val (NM_001354897.2); c.5504A>T, p.Asp1835Val (NM_001354898.2); c.5495A>T, p.Asp1832Val (NM_001354899.2); c.5456A>T, p.Asp1819Val (NM_001354900.2); c.5402A>T, p.Asp1801Val (NM_001354901.2); and 5 more; short protein forms D1734V, D1832V, D1835V, D1577V, D1700V, D1878V, D1819V, D1842V.
Identifiers: ClinVar variation 1522023 (VCV001522023.8), dbSNP rs1765983464, ClinGen allele CA16033540.